The following is an entry in ClinVar:

NM_000051.4(ATM):c.5853del (p.Phe1952fs)

Genes: ATM (ATM serine/threonine kinase; plus strand), C11orf65 (chromosome 11 open reading frame 65; minus strand). Cytogenetic location: 11q22.3.
Variant type: Deletion.
Coding change: c.5853del on transcript NM_000051.4 (MANE Select); coding-DNA position 5853, one base deleted (C; older notation c.5853delC).
Protein change: p.Phe1952fs; shifts the reading frame from phenylalanine 1952.
Molecular consequence: frameshift variant. On other transcripts: intron variant (2).
Genome position (GRCh38, 1-based): chr11:108,310,250, C deleted. VCF-style (leftmost placement, unchanged base first): chr11-108310249-AC-A. GRCh37 (hg19) VCF-style: chr11-108180976-AC-A.
Other names: c.5853del, p.Phe1952fs (NM_001351834.2); c.641-1179del (NM_001330368.2); c.*39-1179del (NM_001351110.2); c.5853delC, p.Phe1952Leufs (NM_000051.3); short protein forms F1952fs.
Identifiers: ClinVar variation 490626 (VCV000490626.6), dbSNP rs1555110418, ClinGen allele CA658683696.
Genomic context (GRCh38, chr11:108,310,249, plus strand): 5'-CTTTCTGGCTGGATTTAAATTATCTAGAAGTTGCCAAGGTAGCTCAGTCTTGTGCTGCTC[AC>A]TTTACAGCTTTACTCTATGCAGAAATCTATGCAGATAAGAAAAGTATGGATGATCAAGAG-3'

ClinVar aggregate classification (germline): Pathogenic (1 of 4 stars; one submission).

Conditions:
Hereditary cancer-predisposing syndrome. Also called: Neoplastic Syndromes, Hereditary; Hereditary Cancer Syndrome; Tumor predisposition; Hereditary neoplastic syndrome. Identifiers: Orphanet 140162, MedGen C0027672, MeSH D009386, MONDO:0015356.

Submission:

Color Diagnostics, LLC DBA Color Health
Classification: Pathogenic for Hereditary cancer-predisposing syndrome. Last evaluated: 2020-04-20. Review status: criteria provided, single submitter. Criteria: ACMG Guidelines, 2015. Collection method: clinical testing. Allele origin: germline.
Comment: This variant deletes 1 nucleotide in exon 39 of the ATM gene, creating a frameshift and premature translation stop signal. This variant is expected to result in an absent or non-functional protein product. To our knowledge, this variant has not been reported in individuals affected with hereditary cancer in the literature. This variant has not been identified in the general population by the Genome Aggregation Database (gnomAD). Loss of ATM function is a known mechanism of disease. Based on the available evidence, this variant is classified as Pathogenic.